The following is an entry in ClinVar:

ClinVar aggregate classification (germline): Pathogenic/Likely pathogenic. Review status: criteria provided, multiple submitters, no conflicts (2 of 4 stars). 5 submissions from 5 submitters: Pathogenic (3); Likely pathogenic (2). Last evaluated 2025-11-19.

Conditions:
Inborn genetic diseases. Identifiers: MedGen C0950123, MeSH D030342.
ELAC2-related disorders.
Combined oxidative phosphorylation defect type 17. Also called: Combined oxidative phosphorylation deficiency 17. Identifiers: Orphanet 369913, MedGen C3809526, MONDO:0014190, OMIM 615440.

Allele frequency attached by ClinVar (database versions not stated): TOPMed below 0.00001; gnomAD 0.00001; ExAC 0.00002; gnomAD exomes 0.00003 and 0.00004.
gnomAD v4.1: 28 of 1,614,056 alleles (0.0017%); highest among the groups gnomAD compares: Non-Finnish European, 0.0019%; no homozygotes.

Submissions (5):

Labcorp Genetics (formerly Invitae), Labcorp
Classification: Pathogenic for Combined oxidative phosphorylation defect type 17. Last evaluated: 2025-11-19. Review status: criteria provided, single submitter. Criteria: Invitae Variant Classification Sherloc (09022015). Collection method: clinical testing. Allele origin: germline.
Comment: This sequence change creates a premature translational stop signal (p.Glu482*) in the ELAC2 gene. It is expected to result in an absent or disrupted protein product. Loss-of-function variants in ELAC2 are known to be pathogenic (PMID: 27769300, 31045291). This variant is present in population databases (rs763770476, gnomAD 0.006%). This variant has not been reported in the literature in individuals affected with ELAC2-related conditions. ClinVar contains an entry for this variant (Variation ID: 452048). Algorithms developed to predict the effect of sequence changes on RNA splicing suggest that this variant may disrupt the consensus splice site. For these reasons, this variant has been classified as Pathogenic.

Blueprint Genetics
Classification: Likely pathogenic for ELAC2-related disorders. Last evaluated: 2024-11-27. Review status: criteria provided, single submitter. Criteria: ACMG Guidelines, 2015. Collection method: clinical testing. Allele origin: germline. Affected: yes. Observed: 5 variant alleles.

GeneDx
Classification: Pathogenic. Last evaluated: 2023-05-30. Review status: criteria provided, single submitter. Criteria: GeneDx Variant Classification Process June 2021. Collection method: clinical testing. Allele origin: germline. Affected: yes.
Comment: Has not been previously published as pathogenic or benign to our knowledge; Nonsense variant predicted to result in protein truncation or nonsense mediated decay in a gene for which loss of function is a known mechanism of disease; Not observed at significant frequency in large population cohorts (gnomAD)

Women's Health and Genetics/Laboratory Corporation of America, LabCorp
Classification: Likely pathogenic for Combined oxidative phosphorylation defect type 17. Last evaluated: 2023-04-19. Review status: criteria provided, single submitter. Criteria: LabCorp Variant Classification Summary - May 2015. Collection method: clinical testing. Allele origin: germline.
Comment: Variant summary: ELAC2 c.1444G>T (p.Glu482X) results in a premature termination codon, predicted to cause a truncation of the encoded protein or absence of the protein due to nonsense mediated decay, which are commonly known mechanisms for disease. The variant allele was found at a frequency of 3.2e-05 in 251470 control chromosomes (gnomAD). To our knowledge, no occurrence of c.1444G>T in individuals affected with Combined Oxidative Phosphorylation Defect Type 17 and no experimental evidence demonstrating its impact on protein function have been reported. Three clinical diagnostic laboratories have submitted clinical-significance assessments for this variant to ClinVar after 2014 and classified the variant as either pathogenic (n=2) or VUS (n=1). Based on the evidence outlined above, the variant was classified as likely pathogenic.

Ambry Genetics
Classification: Pathogenic for Inborn genetic diseases. Last evaluated: 2022-03-24. Review status: criteria provided, single submitter. Criteria: Ambry Variant Classification Scheme 2023. Collection method: clinical testing. Allele origin: germline.
Comment: The c.1444G>T (p.E482*) alteration, located in exon 16 (coding exon 16) of the ELAC2 gene, consists of a G to T substitution at nucleotide position 1444. This changes the amino acid from a glutamic acid (E) to a stop codon at amino acid position 482. This alteration is expected to result in loss of function by premature protein truncation or nonsense-mediated mRNA decay. Based on data from gnomAD, the T allele has an overall frequency of <0.01% (9/282878) total alleles studied. The highest observed frequency was 0.01% (9/129180) of European (non-Finnish) alleles. Based on the available evidence, this alteration is classified as pathogenic.

Literature cited by the submitters: PubMed 27769300 (cited by Labcorp Genetics (formerly Invitae), Labcorp); PubMed 31045291 (cited by Labcorp Genetics (formerly Invitae), Labcorp).

NM_018127.7(ELAC2):c.1444G>T (p.Glu482Ter)

Gene: ELAC2 (elaC ribonuclease Z 2; minus strand). Cytogenetic location: 17p12.
Variant type: single nucleotide variant.
Coding change: c.1444G>T on transcript NM_018127.7 (MANE Select); coding-DNA position 1444, G replaced by T.
Protein change: p.Glu482Ter; replaces glutamic acid 482 with a stop codon.
Molecular consequence: nonsense.
Genome position (GRCh38, 1-based): chr17:12,998,488, C>A on the plus strand (G>T on the coding strand, the complement: ELAC2 is on the minus strand). VCF-style: chr17-12998488-C-A. GRCh37 (hg19) VCF-style: chr17-12901805-C-A.
Other names: c.1324G>T, p.Glu442Ter (NM_001165962.2); c.1441G>T, p.Glu481Ter (NM_173717.2); short protein forms E482*, E481*, E442*.
Identifiers: ClinVar variation 452048 (VCV000452048.11), dbSNP rs763770476, ClinGen allele CA8401196.